The following is an entry in ClinVar:

ClinVar aggregate classification (germline): Uncertain significance (1 of 4 stars; one submission).

Submission:

GeneDx
Classification: Uncertain significance. Last evaluated: 2020-07-06. Review status: criteria provided, single submitter. Criteria: GeneDx Variant Classification Process June 2021. Collection method: clinical testing. Allele origin: germline. Affected: yes.
Comment: Not observed in large population cohorts (Lek et al., 2016); In silico analysis supports that this missense variant does not alter protein structure/function; Has not been previously published as pathogenic or benign to our knowledge

NM_006516.4(SLC2A1):c.656A>G (p.Asn219Ser)

Gene: SLC2A1 (solute carrier family 2 member 1; minus strand). Cytogenetic location: 1p34.2.
Variant type: single nucleotide variant.
Coding change: c.656A>G on transcript NM_006516.4 (MANE Select); coding-DNA position 656, A replaced by G.
Protein change: p.Asn219Ser; replaces asparagine 219 with serine.
Molecular consequence: missense variant.
Genome position (GRCh38, 1-based): chr1:42,929,896, T>C on the plus strand (A>G on the coding strand, the complement: SLC2A1 is on the minus strand). VCF-style: chr1-42929896-T-C. GRCh37 (hg19) VCF-style: chr1-43395567-T-C.
Other names: short protein forms N219S.
Identifiers: ClinVar variation 1312926 (VCV001312926.2), dbSNP rs2124449256, ClinGen allele CA339958500.